The following is an entry in ClinVar:

ClinVar aggregate classification (germline): Uncertain significance (1 of 4 stars; one submission).

Allele frequency attached by ClinVar (database versions not stated): ExAC 0.00002; gnomAD exomes 0.00002.
gnomAD v4.1: 9 of 1,614,152 alleles (0.00056%); highest among the groups gnomAD compares: Non-Finnish European, 0.00025%; no homozygotes.

Submission:

Labcorp Genetics (formerly Invitae), Labcorp
Classification: Uncertain significance. Last evaluated: 2025-05-29. Review status: criteria provided, single submitter. Criteria: Invitae Variant Classification Sherloc (09022015). Collection method: clinical testing. Allele origin: germline.
Comment: This sequence change replaces methionine, which is neutral and non-polar, with isoleucine, which is neutral and non-polar, at codon 323 of the OPN1SW protein (p.Met323Ile). This variant is present in population databases (rs755147227, gnomAD 0.01%). This variant has not been reported in the literature in individuals affected with OPN1SW-related conditions. ClinVar contains an entry for this variant (Variation ID: 1357380). An algorithm developed to predict the effect of missense changes on protein structure and function (PolyPhen-2) suggests that this variant is likely to be tolerated. In summary, the available evidence is currently insufficient to determine the role of this variant in disease. Therefore, it has been classified as a Variant of Uncertain Significance.

NM_001385125.1(OPN1SW):c.960G>A (p.Met320Ile)

Genes: CALU (calumenin; plus strand), OPN1SW (opsin 1, short wave sensitive; minus strand). Cytogenetic location: 7q32.1.
Variant type: single nucleotide variant.
Coding change: c.960G>A on transcript NM_001385125.1 (MANE Select); coding-DNA position 960, G replaced by A.
Protein change: p.Met320Ile; replaces methionine 320 with isoleucine.
Molecular consequence: missense variant. On other transcripts: 3 prime UTR variant (5), non-coding transcript variant (1).
Genome position (GRCh38, 1-based): chr7:128,772,618, C>T on the plus strand (G>A on the coding strand, the complement: OPN1SW is on the minus strand). VCF-style: chr7-128772618-C-T. GRCh37 (hg19) VCF-style: chr7-128412672-C-T.
Other names: c.*3451C>T (NM_001130674.3, NM_001199671.2, NM_001199672.2 and 1 more transcripts); c.*3524C>T (NM_001199673.2); short protein forms M320I.
Identifiers: ClinVar variation 1357380 (VCV001357380.8), dbSNP rs755147227, ClinGen allele CA4472775.